The following is an entry in ClinVar:

ClinVar aggregate classification (germline): Uncertain significance. Review status: criteria provided, multiple submitters, no conflicts (2 of 4 stars). 2 submissions from 2 submitters: Uncertain significance (2). Last evaluated 2022-04-25.

gnomAD v4.1: 1 of 1,612,698 alleles (0.000062%); highest among the groups gnomAD compares: Non-Finnish European, 0.000085%; no homozygotes.

Submissions (2):

Women's Health and Genetics/Laboratory Corporation of America, LabCorp
Classification: Uncertain significance. Last evaluated: 2022-04-25. Review status: criteria provided, single submitter. Criteria: LabCorp Variant Classification Summary - May 2015. Collection method: clinical testing. Allele origin: germline.
Comment: Variant summary: TTN c.21578C>T (p.Pro7193Leu) results in a non-conservative amino acid change located in the I-band region of the encoded protein sequence. Three of five in-silico tools predict a damaging effect of the variant on protein function. The variant was absent in 246936 control chromosomes (gnomAD). The available data on variant occurrences in the general population are insufficient to allow any conclusion about variant significance. To our knowledge, no occurrence of c.21578C>T in individuals affected with Dilated Cardiomyopathy and no experimental evidence demonstrating its impact on protein function have been reported. One clinical diagnostic laboratory has submitted clinical-significance assessments for this variant to ClinVar after 2014 without evidence for independent evaluation and classified the variant as uncertain significance. Based on the evidence outlined above, the variant was classified as uncertain significance.

Eurofins Ntd Llc (ga)
Classification: Uncertain significance. Last evaluated: 2018-07-10. Review status: criteria provided, single submitter. Criteria: EGL ClinVar v180209 classification definitions. Collection method: clinical testing. Allele origin: germline. Observed: 1 variant allele, 1 heterozygote.

NM_001267550.2(TTN):c.25310C>T (p.Pro8437Leu)

Gene: TTN (titin; minus strand). Cytogenetic location: 2q31.2.
Variant type: single nucleotide variant.
Coding change: c.25310C>T on transcript NM_001267550.2 (MANE Select); coding-DNA position 25310, C replaced by T.
Protein change: p.Pro8437Leu; replaces proline 8437 with leucine.
Molecular consequence: missense variant. On other transcripts: intron variant (3).
Genome position (GRCh38, 1-based): chr2:178,717,564, G>A on the plus strand (C>T on the coding strand, the complement: TTN is on the minus strand). VCF-style: chr2-178717564-G-A. GRCh37 (hg19) VCF-style: chr2-179582291-G-A.
Other names: c.24359C>T, p.Pro8120Leu (NM_001256850.1); c.21578C>T, p.Pro7193Leu (NM_133378.4); c.13282+20518C>T (NM_003319.4); c.13858+20518C>T (NM_133437.4); c.13657+20518C>T (NM_133432.3); short protein forms P7193L, P8437L, P8120L.
Identifiers: ClinVar variation 597960 (VCV000597960.6), dbSNP rs1560631696, ClinGen allele CA349486794.
Genomic context (GRCh38, chr2:178,717,564, plus strand): 5'-GGTACTGTGAGTTACTCACCTGAGAGAATGAGCTTGGCACTGGATGAAGCAGTCCCAAGA[G>A]GATTAGAAGCAGAGCAATTATACTGCCCTATGTGGCTCTGGTCAGTTTGTAAAATCTGAA-3'
Protein context (NP_001254479.2, residues 8427-8447): IGQYNCSASN[Pro8437Leu]LGTASSSAKL